The following is an entry in ClinVar:

NM_033380.3(COL4A5):c.1919C>T (p.Ala640Val)

Gene: COL4A5 (collagen type IV alpha 5 chain; plus strand). Cytogenetic location: Xq22.3.
Variant type: single nucleotide variant.
Coding change: c.1919C>T on transcript NM_033380.3 (MANE Select); coding-DNA position 1919, C replaced by T.
Protein change: p.Ala640Val; replaces alanine 640 with valine.
Molecular consequence: missense variant.
Genome position (GRCh38, 1-based): chrX:108,598,841, C>T. VCF-style: chrX-108598841-C-T. GRCh37 (hg19) VCF-style: chrX-107842071-C-T.
Other names: c.1919C>T, p.Ala640Val (NM_000495.5); short protein forms A640V.
Identifiers: ClinVar variation 1046594 (VCV001046594.8), dbSNP rs2066572993, ClinGen allele CA413845872.

ClinVar aggregate classification (germline): Uncertain significance (1 of 4 stars; one submission).

Submission:

Labcorp Genetics (formerly Invitae), Labcorp
Classification: Uncertain significance. Last evaluated: 2021-03-15. Review status: criteria provided, single submitter. Criteria: Invitae Variant Classification Sherloc (09022015). Collection method: clinical testing. Allele origin: germline.
Comment: In summary, the available evidence is currently insufficient to determine the role of this variant in disease. Therefore, it has been classified as a Variant of Uncertain Significance. Algorithms developed to predict the effect of sequence changes on RNA splicing suggest that this variant may create or strengthen a splice site, but this prediction has not been confirmed by published transcriptional studies. This variant has been observed in individual(s) affected with hematuria (Invitae). This variant is not present in population databases (ExAC no frequency). This sequence change replaces alanine with valine at codon 640 of the COL4A5 protein (p.Ala640Val). The alanine residue is highly conserved and there is a small physicochemical difference between alanine and valine.